The following is an entry in ClinVar:

NM_015331.3(NCSTN):c.461C>T (p.Pro154Leu)

Gene: NCSTN (nicastrin; plus strand). Cytogenetic location: 1q23.2.
Variant type: single nucleotide variant.
Coding change: c.461C>T on transcript NM_015331.3 (MANE Select); coding-DNA position 461, C replaced by T.
Protein change: p.Pro154Leu; replaces proline 154 with leucine.
Molecular consequence: missense variant.
Genome position (GRCh38, 1-based): chr1:160,350,129, C>T. VCF-style: chr1-160350129-C-T. GRCh37 (hg19) VCF-style: chr1-160319919-C-T.
Other names: c.401C>T, p.Pro134Leu (NM_001290184.2); c.461C>T, p.Pro154Leu (NM_001290186.2, NM_001349729.2); c.461C>T (NM_015331.2); short protein forms P134L, P154L.
Identifiers: ClinVar variation 2911916 (VCV002911916.4), dbSNP rs1162962499, ClinGen allele CA343277642.

ClinVar aggregate classification (germline): Uncertain significance. Review status: criteria provided, multiple submitters, no conflicts (2 of 4 stars). 2 submissions from 2 submitters: Uncertain significance (2). Last evaluated 2025-08-06.

Conditions:
Inborn genetic diseases. Identifiers: MedGen C0950123, MeSH D030342.

Allele frequency attached by ClinVar (database versions not stated): gnomAD 0.00001; gnomAD exomes 0.00001; TOPMed 0.00003.
gnomAD v4.1: 6 of 1,613,950 alleles (0.00037%); highest among the groups gnomAD compares: Admixed American, 0.0067%; no homozygotes.

Submissions (2):

Labcorp Genetics (formerly Invitae), Labcorp
Classification: Uncertain significance. Last evaluated: 2025-08-06. Review status: criteria provided, single submitter. Criteria: Invitae Variant Classification Sherloc (09022015). Collection method: clinical testing. Allele origin: germline.
Comment: This sequence change replaces proline, which is neutral and non-polar, with leucine, which is neutral and non-polar, at codon 154 of the NCSTN protein (p.Pro154Leu). This variant is not present in population databases (gnomAD no frequency). This variant has not been reported in the literature in individuals affected with NCSTN-related conditions. ClinVar contains an entry for this variant (Variation ID: 2911916). An algorithm developed to predict the effect of missense changes on protein structure and function (PolyPhen-2) suggests that this variant is likely to be tolerated. In summary, the available evidence is currently insufficient to determine the role of this variant in disease. Therefore, it has been classified as a Variant of Uncertain Significance.

Ambry Genetics
Classification: Uncertain significance for Inborn genetic diseases. Last evaluated: 2025-03-17. Review status: criteria provided, single submitter. Criteria: Ambry Variant Classification Scheme 2023. Collection method: clinical testing. Allele origin: germline.